The following is an entry in ClinVar:

ClinVar aggregate classification (germline): Likely benign (1 of 4 stars; one submission).

Allele frequency attached by ClinVar (database versions not stated): ExAC 0.00001; gnomAD 0.00001; gnomAD exomes 0.00001 and 0.00002; TOPMed 0.00001.

Submission:

GeneDx
Classification: Likely benign. Last evaluated: 2018-04-04. Review status: criteria provided, single submitter. Criteria: GeneDx Variant Classification (06012015). Collection method: clinical testing. Allele origin: germline. Affected: yes.
Comment: This variant is considered likely benign or benign based on one or more of the following criteria: it is a conservative change, it occurs at a poorly conserved position in the protein, it is predicted to be benign by multiple in silico algorithms, and/or has population frequency not consistent with disease.

NM_030777.4(SLC2A10):c.1547+18del

Gene: SLC2A10 (solute carrier family 2 member 10; plus strand). Cytogenetic location: 20q13.12.
Variant type: Deletion.
Coding change: c.1547+18del on transcript NM_030777.4 (MANE Select); 18 bases into the intron after coding-DNA position 1547, one base deleted (T; older notation c.1547+18delT).
Molecular consequence: intron variant.
Genome position (GRCh38, 1-based): chr20:46,729,506, T deleted. VCF-style (leftmost placement, unchanged base first): chr20-46729505-GT-G. GRCh37 (hg19) VCF-style: chr20-45358144-GT-G.
Identifiers: ClinVar variation 678421 (VCV000678421.1), dbSNP rs771439306, ClinGen allele CA9892248.